The following is an entry in ClinVar:

ClinVar aggregate classification (germline): Conflicting classifications of pathogenicity. Review status: criteria provided, conflicting classifications (1 of 4 stars). 7 submissions from 7 submitters: Uncertain significance (1); Likely benign (6). Last evaluated 2026-01-28.

Conditions:
SBF2-related disorder. Also called: SBF2-related condition.
Charcot-Marie-Tooth disease. Also called: Charcot-Marie-Tooth Neuropathy; Charcot-Marie-Tooth Hereditary Neuropathy. Identifiers: Orphanet 166, MedGen C0007959, MONDO:0015626.
Inborn genetic diseases. Identifiers: MedGen C0950123, MeSH D030342.
Charcot-Marie-Tooth disease type 4. Also called: Charcot-Marie-Tooth, Type 4; Charcot-Marie-Tooth disease, type IV. Identifiers: Orphanet 64749, MedGen C4082197, MONDO:0018995.
Charcot-Marie-Tooth disease type 4B2. Also called: Charcot-Marie-Tooth Neuropathy Type 4B2; CHARCOT-MARIE-TOOTH DISEASE, WITH FOCALLY FOLDED MYELIN SHEATHS, AUTOSOMAL RECESSIVE, TYPE 4B2; CMT 4B2; CHARCOT-MARIE-TOOTH DISEASE, DEMYELINATING, TYPE 4B2. Identifiers: Orphanet 99956, MedGen C1858278, MONDO:0011475, OMIM 604563.

Allele frequency attached by ClinVar (database versions not stated): gnomAD exomes 0.00012 and 0.00026; gnomAD 0.00016 and 0.00017; TOPMed 0.00016; ExAC 0.00018; ESP Exome Variant Server 0.00038.
gnomAD v4.1: 213 of 1,613,926 alleles (0.013%); highest among the groups gnomAD compares: African/African-American, 0.004%; 1 homozygote.

Submissions (7):

Labcorp Genetics (formerly Invitae), Labcorp
Classification: Likely benign for Charcot-Marie-Tooth disease type 4. Last evaluated: 2026-01-28. Review status: criteria provided, single submitter. Criteria: Invitae Variant Classification Sherloc (09022015). Collection method: clinical testing. Allele origin: germline.

PreventionGenetics, part of Exact Sciences
Classification: Likely benign for SBF2-related condition. Last evaluated: 2025-11-22. Review status: criteria provided, single submitter. Criteria: ACMG Guidelines, 2015. Collection method: clinical testing. Allele origin: germline.
Comment: This variant is classified as likely benign based on ACMG/AMP sequence variant interpretation guidelines (Richards et al. 2015 PMID: 25741868, with internal and published modifications).

Mayo Clinic Laboratories, Mayo Clinic
Classification: Likely benign. Last evaluated: 2025-03-20. Review status: criteria provided, single submitter. Criteria: ACMG Guidelines, 2015. Collection method: clinical testing. Allele origin: germline. Observed: 2 variant alleles.
Comment: BS1, BP4, BP7

CeGaT Center for Human Genetics Tuebingen
Classification: Likely benign. Last evaluated: 2021-03-01. Review status: criteria provided, single submitter. Criteria: CeGaT Center For Human Genetics Tuebingen Variant Classification Criteria Version 2. Collection method: clinical testing. Allele origin: germline. Affected: yes. Observed: 1 variant allele.

Ambry Genetics
Classification: Likely benign for Inborn genetic diseases. Last evaluated: 2019-07-11. Review status: criteria provided, single submitter. Criteria: Ambry Variant Classification Scheme 2023. Collection method: clinical testing. Allele origin: germline.

Illumina Laboratory Services, Illumina
Classification: Uncertain significance for Charcot-Marie-Tooth disease type 4B2. Last evaluated: 2018-01-13. Review status: criteria provided, single submitter. Criteria: ICSL Variant Classification Criteria 13 December 2019. Collection method: clinical testing. Allele origin: germline.

Molecular Genetics Laboratory, London Health Sciences Centre
Classification: Likely benign for Charcot-Marie-Tooth disease. Review status: criteria provided, single submitter. Criteria: ACMG Guidelines, 2015. Collection method: clinical testing. Allele origin: germline. Affected: yes.

NM_030962.4(SBF2):c.3843A>G (p.Thr1281=)

Gene: SBF2 (SET binding factor 2; minus strand). Cytogenetic location: 11p15.4.
Variant type: single nucleotide variant.
Coding change: c.3843A>G on transcript NM_030962.4 (MANE Select); coding-DNA position 3843, A replaced by G.
Protein change: p.Thr1281=; no amino-acid change (threonine 1281 retained).
Molecular consequence: synonymous variant.
Genome position (GRCh38, 1-based): chr11:9,816,975, T>C on the plus strand (A>G on the coding strand, the complement: SBF2 is on the minus strand). VCF-style: chr11-9816975-T-C. GRCh37 (hg19) VCF-style: chr11-9838522-T-C.
Other names: p.Thr1281=; c.3939A>G, p.Thr1313= (NM_001386339.1); c.3714A>G, p.Thr1238= (NM_001386342.1).
Identifiers: ClinVar variation 241611 (VCV000241611.54), dbSNP rs147597665, ClinGen allele CA5881124.